The following is an entry in ClinVar:

NM_001349253.2(SCN11A):c.2596C>T (p.Gln866Ter)

Gene: SCN11A (sodium voltage-gated channel alpha subunit 11; minus strand). Cytogenetic location: 3p22.2.
Variant type: single nucleotide variant.
Coding change: c.2596C>T on transcript NM_001349253.2 (MANE Select); coding-DNA position 2596, C replaced by T.
Protein change: p.Gln866Ter; replaces glutamine 866 with a stop codon.
Molecular consequence: nonsense.
Genome position (GRCh38, 1-based): chr3:38,894,772, G>A on the plus strand (C>T on the coding strand, the complement: SCN11A is on the minus strand). VCF-style: chr3-38894772-G-A. GRCh37 (hg19) VCF-style: chr3-38936263-G-A.
Other names: c.2596C>T, p.Gln866Ter (NM_014139.3); short protein forms Q866*.
Identifiers: ClinVar variation 649584 (VCV000649584.5), dbSNP rs768683402, ClinGen allele CA352174794.

ClinVar aggregate classification (germline): Uncertain significance (1 of 4 stars; one submission).

Conditions:
Hereditary sensory and autonomic neuropathy type 7. Also called: HSAN VII; Neuropathy, hereditary sensory and autonomic, type VII. Identifiers: Orphanet 391397, MedGen C3809882, MONDO:0014244, OMIM 615548.
Familial episodic pain syndrome with predominantly lower limb involvement. Also called: Episodic pain syndrome, familial, 3. Identifiers: Orphanet 391384, Orphanet 391392, MedGen C3809899, MONDO:0014247, OMIM 615552.

Allele frequency attached by ClinVar (database versions not stated): TOPMed below 0.00001.

Submission:

Labcorp Genetics (formerly Invitae), Labcorp
Classification: Uncertain significance for Familial episodic pain syndrome with predominantly lower limb involvement; Hereditary sensory and autonomic neuropathy type 7. Last evaluated: 2018-09-24. Review status: criteria provided, single submitter. Criteria: Invitae Variant Classification Sherloc (09022015). Collection method: clinical testing. Allele origin: germline.
Comment: This sequence change creates a premature translational stop signal (p.Gln866*) in the SCN11A gene. It is expected to result in an absent or disrupted protein product. In summary, the available evidence is currently insufficient to determine the role of this variant in disease. Therefore, it has been classified as a Variant of Uncertain Significance. The current clinical and genetic evidence is not sufficient to establish whether loss-of-function variants in SCN11A cause disease. This variant has not been reported in the literature in individuals with SCN11A-related disease. This variant is not present in population databases (ExAC no frequency).